The following is an entry in ClinVar:

NM_001369.3(DNAH5):c.4314del (p.Asn1438fs)

Genes: DNAH5 (dynein axonemal heavy chain 5; minus strand), DNAH5-AS1 (DNAH5 antisense RNA 1; plus strand). Cytogenetic location: 5p15.2.
Variant type: Deletion.
Coding change: c.4314del on transcript NM_001369.3 (MANE Select); coding-DNA position 4314, one base deleted (T; older notation c.4314delT).
Protein change: p.Asn1438fs; shifts the reading frame from asparagine 1438.
Molecular consequence: frameshift variant.
Genome position (GRCh38, 1-based): chr5:13,865,709, A deleted on the plus strand (T on the coding strand, the reverse complement: DNAH5 is on the minus strand). VCF-style (leftmost placement, unchanged base first): chr5-13865708-TA-T. GRCh37 (hg19) VCF-style: chr5-13865817-TA-T.
Other names: c.4314delT (NM_001369.2); short protein forms N1438fs.
Identifiers: ClinVar variation 1453260 (VCV001453260.9), dbSNP rs765355281, ClinGen allele CA3204023.

ClinVar aggregate classification (germline): Pathogenic/Likely pathogenic. Review status: criteria provided, multiple submitters, no conflicts (2 of 4 stars). 3 submissions from 3 submitters: Pathogenic (1); Likely pathogenic (1). 1 of the submissions does not count toward it. Last evaluated 2024-04-22.

Conditions:
Primary ciliary dyskinesia 3. Identifiers: Orphanet 244, MedGen C1837618, MONDO:0012085, OMIM 608644.
Primary ciliary dyskinesia. Also called: Ciliary dyskinesia. Identifiers: Orphanet 244, MedGen C0008780, MONDO:0016575, HP:0012265.

Allele frequency attached by ClinVar (database versions not stated): gnomAD exomes below 0.00001 and 0.00001; ExAC 0.00001.

Submissions (3):

Fulgent Genetics
Classification: Likely pathogenic for Primary ciliary dyskinesia 3. Last evaluated: 2024-04-22. Review status: criteria provided, single submitter. Criteria: ACMG Guidelines, 2015. Collection method: clinical testing. Allele origin: germline.

Labcorp Genetics (formerly Invitae), Labcorp
Classification: Pathogenic for Primary ciliary dyskinesia. Last evaluated: 2023-08-07. Review status: criteria provided, single submitter. Criteria: Invitae Variant Classification Sherloc (09022015). Collection method: clinical testing. Allele origin: germline.
Comment: This sequence change creates a premature translational stop signal (p.Asn1438Lysfs*10) in the DNAH5 gene. It is expected to result in an absent or disrupted protein product. Loss-of-function variants in DNAH5 are known to be pathogenic (PMID: 11788826, 16627867). This variant is present in population databases (rs765355281, gnomAD 0.01%). This variant has not been reported in the literature in individuals affected with DNAH5-related conditions. ClinVar contains an entry for this variant (Variation ID: 1453260). For these reasons, this variant has been classified as Pathogenic.

Shengli Clinical Medical College Of Fujian Medical University, Fujian Provincial Hospital
Classification: Pathogenic for Primary ciliary dyskinesia 3. Review status: no assertion criteria provided. Collection method: research. Allele origin: de novo. Affected: no. Not counted in ClinVar's aggregate classification.

Literature cited by the submitters: PubMed 11788826 (cited by Labcorp Genetics (formerly Invitae), Labcorp); PubMed 16627867 (cited by Labcorp Genetics (formerly Invitae), Labcorp); PubMed 19357118 (cited by Shengli Clinical Medical College Of Fujian Medical University, Fujian Provincial Hospital).